The following is an entry in ClinVar:

NM_001164508.2(NEB):c.5427dup (p.Ala1810fs)

Gene: NEB (nebulin; minus strand). Cytogenetic location: 2q23.3.
Variant type: Duplication.
Coding change: c.5427dup on transcript NM_001164508.2 (MANE Select); coding-DNA position 5427, one base duplicated (A; older notation c.5427dupA).
Protein change: p.Ala1810fs; shifts the reading frame from alanine 1810.
Molecular consequence: frameshift variant.
Genome position (GRCh38, 1-based): chr2:151,664,525, T duplicated on the plus strand (A on the coding strand, the reverse complement: NEB is on the minus strand). VCF-style (leftmost placement, unchanged base first): chr2-151664524-C-CT. GRCh37 (hg19) VCF-style: chr2-152521038-C-CT.
Other names: c.5427dup, p.Ala1810fs (NM_001164507.2, NM_001271208.2, NM_004543.5); short protein forms A1810fs.
Identifiers: ClinVar variation 5012625 (VCV005012625.1).
Genomic context (GRCh38, chr2:151,664,524, plus strand): 5'-TTGCTCAACCCCAAAAAGGCCCAGTGCAAGCACTTACATCACTGGCAATGTCTCTAGAGG[C>CT]TCTTGCAGCCTTTATTGCAATGGCATCAGGCCTCAGGTCATATCCTTTCTTCTTTTCCTC-3'

ClinVar aggregate classification (germline): Pathogenic (1 of 4 stars; one submission).

Conditions:
Nemaline myopathy 2 (NEM2). Also called: Nemaline myopathy 2, autosomal recessive. Identifiers: MedGen C1850569, MONDO:0009725, OMIM 256030.

Submission:

Myriad Genetics, Inc.
Classification: Pathogenic for Nemaline myopathy 2. Last evaluated: 2023-12-31. Review status: criteria provided, single submitter. Criteria: Myriad Autosomal Dominant, Autosomal Recessive and X-Linked Classification Criteria (2023). Collection method: clinical testing. Allele origin: unknown.
Comment: NM_001271208.1(NEB):c.5427dupA(A1810Sfs*3) is expected to be pathogenic in the context of NEB-related nemaline myopathy. This variant is predicted to lead to an abnormal or absent protein product due to the creation of a premature termination codon in NEB, a gene where loss-of-function variants are known to be pathogenic. Please note: this variant was assessed in the context of healthy population screening.